The following is an entry in ClinVar:

NM_004656.4(BAP1):c.1219G>C (p.Asp407His)

Gene: BAP1 (BRCA1 associated deubiquitinase 1; minus strand). Cytogenetic location: 3p21.1.
Variant type: single nucleotide variant.
Coding change: c.1219G>C on transcript NM_004656.4 (MANE Select); coding-DNA position 1219, G replaced by C.
Protein change: p.Asp407His; replaces aspartic acid 407 with histidine.
Molecular consequence: missense variant.
Genome position (GRCh38, 1-based): chr3:52,404,484, C>G on the plus strand (G>C on the coding strand, the complement: BAP1 is on the minus strand). VCF-style: chr3-52404484-C-G. GRCh37 (hg19) VCF-style: chr3-52438500-C-G.
Other names: c.1165G>C, p.Asp389His (NM_001410772.1); short protein forms D389H, D407H.
Identifiers: ClinVar variation 5032714 (VCV005032714.1).
Genomic context (GRCh38, chr3:52,404,484, plus strand): 5'-ACCTGGTAGCCTTAGAAAGCTGGGCTGACCTAAGGGCAGAGTTGGTGTTCTGCACGTCAT[C>G]CTCCTCGTCATCCTCATAGTCATCCTCATCATCTGAGTACTGCTGGGGTGGGCGGACTGG-3'
Protein context (NP_004647.1, residues 397-417): DEDDYEDDEE[Asp407His]DVQNTNSALR

ClinVar aggregate classification (germline): Uncertain significance (1 of 4 stars; one submission).

Conditions:
Hereditary cancer-predisposing syndrome. Also called: Neoplastic Syndromes, Hereditary; Tumor predisposition; Hereditary neoplastic syndrome; Hereditary Cancer Syndrome. Identifiers: Orphanet 140162, MedGen C0027672, MeSH D009386, MONDO:0015356.

Submission:

Ambry Genetics
Classification: Uncertain significance for Hereditary cancer-predisposing syndrome. Last evaluated: 2026-06-26. Review status: criteria provided, single submitter. Criteria: Ambry Variant Classification Scheme 2023. Collection method: clinical testing. Allele origin: germline.
Comment: The p.D407H variant (also known as c.1219G>C), located in coding exon 12 of the BAP1 gene, results from a G to C substitution at nucleotide position 1219. The aspartic acid at codon 407 is replaced by histidine, an amino acid with similar properties. This amino acid position is conserved. In addition, this alteration is predicted to be tolerated by in silico analysis. Based on the available evidence, the clinical significance of this variant remains unclear.